The following is an entry in ClinVar:

ClinVar aggregate classification (germline): Uncertain significance (1 of 4 stars; one submission).

Conditions:
Syndromic multisystem autoimmune disease due to ITCH deficiency. Also called: AUTOIMMUNE DISEASE, MULTISYSTEM, WITH FACIAL DYSMORPHISM. Identifiers: Orphanet 228426, MedGen C3150649, MONDO:0013245, OMIM 613385.

Allele frequency attached by ClinVar (database versions not stated): gnomAD exomes 0.00001 and 0.00002; ExAC 0.00002; gnomAD 0.00013 and 0.00014; TOPMed 0.00032.
gnomAD v4.1: 38 of 1,611,704 alleles (0.0024%); highest among the groups gnomAD compares: Admixed American, 0.048%; no homozygotes.

Submission:

Labcorp Genetics (formerly Invitae), Labcorp
Classification: Uncertain significance for Syndromic multisystem autoimmune disease due to ITCH deficiency. Last evaluated: 2022-10-25. Review status: criteria provided, single submitter. Criteria: Invitae Variant Classification Sherloc (09022015). Collection method: clinical testing. Allele origin: germline.
Comment: This sequence change replaces proline with arginine at codon 630 of the ITCH protein (p.Pro630Arg). The proline residue is moderately conserved and there is a moderate physicochemical difference between proline and arginine. This variant is present in population databases (rs759300326, gnomAD 0.009%). This variant has not been reported in the literature in individuals affected with ITCH-related conditions. ClinVar contains an entry for this variant (Variation ID: 860245). Algorithms developed to predict the effect of missense changes on protein structure and function are either unavailable or do not agree on the potential impact of this missense change (SIFT: "Not Available"; PolyPhen-2: "Possibly Damaging"; Align-GVGD: "Not Available"). In summary, the available evidence is currently insufficient to determine the role of this variant in disease. Therefore, it has been classified as a Variant of Uncertain Significance.

NM_031483.7(ITCH):c.1889C>G (p.Pro630Arg)

Gene: ITCH (itchy E3 ubiquitin protein ligase; plus strand). Cytogenetic location: 20q11.22.
Variant type: single nucleotide variant.
Coding change: c.1889C>G on transcript NM_031483.7 (MANE Select); coding-DNA position 1889, C replaced by G.
Protein change: p.Pro630Arg; replaces proline 630 with arginine.
Molecular consequence: missense variant.
Genome position (GRCh38, 1-based): chr20:34,480,669, C>G. VCF-style: chr20-34480669-C-G. GRCh37 (hg19) VCF-style: chr20-33068474-C-G.
Other names: c.2012C>G, p.Pro671Arg (NM_001257137.3, NM_001324197.2); c.1559C>G, p.Pro520Arg (NM_001257138.3); c.1889C>G, p.Pro630Arg (NM_001324198.2); short protein forms P520R, P671R, P630R.
Identifiers: ClinVar variation 860245 (VCV000860245.5), dbSNP rs759300326, ClinGen allele CA9821834.
Genomic context (GRCh38, chr20:34,480,669, plus strand): 5'-ATGGGAAATTCATAGACACGGGTTTTTCTTTACCATTCTATAAGCGTATCTTGAACAAAC[C>G]AGTTGGACTCAAGGATTTAGAATCTATTGATCCAGAATTTTACAATTCTCTCATCTGGGT-3'
Protein context (NP_113671.3, residues 620-640): LPFYKRILNK[Pro630Arg]VGLKDLESID